The following is an entry in ClinVar:

NM_000321.3(RB1):c.881A>C (p.Lys294Thr)

Gene: RB1 (RB transcriptional corepressor 1; plus strand). Cytogenetic location: 13q14.2.
Variant type: single nucleotide variant.
Coding change: c.881A>C on transcript NM_000321.3 (MANE Select); coding-DNA position 881, A replaced by C.
Protein change: p.Lys294Thr; replaces lysine 294 with threonine.
Molecular consequence: missense variant.
Genome position (GRCh38, 1-based): chr13:48,364,913, A>C. VCF-style: chr13-48364913-A-C. GRCh37 (hg19) VCF-style: chr13-48939049-A-C.
Other names: short protein forms K294T.
Identifiers: ClinVar variation 641592 (VCV000641592.13), dbSNP rs1453047397, ClinGen allele CA388159899.

ClinVar aggregate classification (germline): Uncertain significance. Review status: criteria provided, multiple submitters, no conflicts (2 of 4 stars). 3 submissions from 3 submitters: Uncertain significance (3). Last evaluated 2025-07-21.

Conditions:
Hereditary cancer-predisposing syndrome. Also called: Neoplastic Syndromes, Hereditary; Tumor predisposition; Hereditary neoplastic syndrome; Hereditary Cancer Syndrome. Identifiers: Orphanet 140162, MedGen C0027672, MeSH D009386, MONDO:0015356.
Retinoblastoma (RB1). Also called: RETINOBLASTOMA, SOMATIC. Identifiers: Orphanet 790, MedGen C0035335, MeSH D012175, MONDO:0008380, OMIM 180200, HP:0009919. Disease mechanism: loss of function. Inheritance: Both sporadic and heritable forms are tested..

gnomAD v4.1: 10 of 1,561,452 alleles (0.00064%); highest among the groups gnomAD compares: Non-Finnish European, 0.00087%; no homozygotes.

Submissions (3):

Labcorp Genetics (formerly Invitae), Labcorp
Classification: Uncertain significance for Retinoblastoma. Last evaluated: 2025-07-21. Review status: criteria provided, single submitter. Criteria: Invitae Variant Classification Sherloc (09022015). Collection method: clinical testing. Allele origin: germline.
Comment: This sequence change replaces lysine, which is basic and polar, with threonine, which is neutral and polar, at codon 294 of the RB1 protein (p.Lys294Thr). This variant is not present in population databases (gnomAD no frequency). This variant has not been reported in the literature in individuals affected with RB1-related conditions. ClinVar contains an entry for this variant (Variation ID: 641592). Invitae Evidence Modeling of protein sequence and biophysical properties (such as structural, functional, and spatial information, amino acid conservation, physicochemical variation, residue mobility, and thermodynamic stability) indicates that this missense variant is not expected to disrupt RB1 protein function with a negative predictive value of 80%. In summary, the available evidence is currently insufficient to determine the role of this variant in disease. Therefore, it has been classified as a Variant of Uncertain Significance.

Ambry Genetics
Classification: Uncertain significance for Hereditary cancer-predisposing syndrome. Last evaluated: 2024-05-12. Review status: criteria provided, single submitter. Criteria: Ambry Variant Classification Scheme 2023. Collection method: clinical testing. Allele origin: germline.
Comment: The p.K294T variant (also known as c.881A>C), located in coding exon 9 of the RB1 gene, results from an A to C substitution at nucleotide position 881. The lysine at codon 294 is replaced by threonine, an amino acid with similar properties. This amino acid position is conserved. In addition, the in silico prediction for this alteration is inconclusive. Since supporting evidence is limited at this time, the clinical significance of this alteration remains unclear.

All of Us Research Program, National Institutes of Health
Classification: Uncertain significance for Retinoblastoma. Last evaluated: 2023-06-26. Review status: criteria provided, single submitter. Criteria: ACMG Guidelines, 2015. Collection method: clinical testing. Allele origin: germline. Inheritance: Autosomal dominant inheritance. Observed: 2 variant alleles, 2 heterozygotes.
Comment: This missense variant replaces lysine with threonine at codon 294 of the RB1 protein. Computational prediction suggests that this variant may not impact protein structure and function (internally defined REVEL score threshold <= 0.5, PMID: 27666373). To our knowledge, functional studies have not been reported for this variant. This variant has not been reported in individuals affected with RB1-related disorders in the literature. This variant has not been identified in the general population by the Genome Aggregation Database (gnomAD). The available evidence is insufficient to determine the role of this variant in disease conclusively. Therefore, this variant is classified as a Variant of Uncertain Significance.

This study involves interpretation of variants in research participants for the purpose of population health screening. Participant phenotype was not available at the time of variant classification. Additional details can be found in publication PMID: 35346344, PMCID: PMC8962531